The following is an entry in ClinVar:

NM_001379081.2(FREM1):c.5800C>T (p.Arg1934Cys)

Gene: FREM1 (FRAS1 related extracellular matrix 1; minus strand). Cytogenetic location: 9p22.3.
Variant type: single nucleotide variant.
Coding change: c.5800C>T on transcript NM_001379081.2 (MANE Select); coding-DNA position 5800, C replaced by T.
Protein change: p.Arg1934Cys; replaces arginine 1934 with cysteine.
Molecular consequence: missense variant. On other transcripts: non-coding transcript variant (3).
Genome position (GRCh38, 1-based): chr9:14,747,725, G>A on the plus strand (C>T on the coding strand, the complement: FREM1 is on the minus strand). VCF-style: chr9-14747725-G-A. GRCh37 (hg19) VCF-style: chr9-14747723-G-A.
Other names: c.5800C>T (NM_144966.5); c.1408C>T, p.Arg470Cys (NM_001177704.3, NM_001370061.2); c.1258C>T, p.Arg420Cys (NM_001370058.2); c.5800C>T, p.Arg1934Cys (NM_144966.7); short protein forms R420C, R470C, R1934C.
Identifiers: ClinVar variation 2060385 (VCV002060385.6), dbSNP rs201497795, ClinGen allele CA4989643.
Genomic context (GRCh38, chr9:14,747,725, plus strand): 5'-CTGTGACTACACTTACATTATAGATGATGTCTGTTCCATTTCTATAAACAGAGGATGGAC[G>A]AACCTGAAATTGACAGAGAACAAAATATGAACAGAATTGGATTGACTAATAACTAGCAAT-3'
Protein context (NP_001366010.1, residues 1924-1944): LRTRGNGKTV[Arg1934Cys]PSSVYRNGTD

ClinVar aggregate classification (germline): Likely benign. Review status: criteria provided, multiple submitters, no conflicts (2 of 4 stars). 3 submissions from 3 submitters: Likely benign (3). Last evaluated 2026-01-06.

Conditions:
FREM1-related disorder. Also called: FREM1-Related Disorders; FREM1-related condition.

Allele frequency attached by ClinVar (database versions not stated): TOPMed 0.00007; gnomAD 0.00015; ExAC 0.00026; 1000 Genomes Project 0.00140; 1000 Genomes Project 30x 0.00156.
gnomAD v4.1: 115 of 1,538,032 alleles (0.0075%); highest among the groups gnomAD compares: East Asian, 0.16%; no homozygotes.

Submissions (3):

Labcorp Genetics (formerly Invitae), Labcorp
Classification: Likely benign. Last evaluated: 2026-01-06. Review status: criteria provided, single submitter. Criteria: Invitae Variant Classification Sherloc (09022015). Collection method: clinical testing. Allele origin: germline.

PreventionGenetics, part of Exact Sciences
Classification: Likely benign for FREM1-related condition. Last evaluated: 2025-08-14. Review status: criteria provided, single submitter. Criteria: ACMG Guidelines, 2015. Collection method: clinical testing. Allele origin: germline.
Comment: This variant is classified as likely benign based on ACMG/AMP sequence variant interpretation guidelines (Richards et al. 2015 PMID: 25741868, with internal and published modifications).

Blueprint Genetics
Classification: Likely benign. Last evaluated: 2024-06-07. Review status: criteria provided, single submitter. Criteria: ACMG Guidelines, 2015. Collection method: clinical testing. Allele origin: germline.